The following is an entry in ClinVar:

NM_002541.4(OGDH):c.1591C>T (p.Arg531Cys)

Gene: OGDH (oxoglutarate dehydrogenase; plus strand). Cytogenetic location: 7p13.
Variant type: single nucleotide variant.
Coding change: c.1591C>T on transcript NM_002541.4 (MANE Select); coding-DNA position 1591, C replaced by T.
Protein change: p.Arg531Cys; replaces arginine 531 with cysteine.
Molecular consequence: missense variant.
Genome position (GRCh38, 1-based): chr7:44,694,499, C>T. VCF-style: chr7-44694499-C-T. GRCh37 (hg19) VCF-style: chr7-44734098-C-T.
Other names: p.Arg531Cys; c.1579C>T, p.Arg527Cys (NM_001165036.2); c.1624C>T, p.Arg542Cys (NM_001363523.2); short protein forms R527C, R531C, R542C.
Identifiers: ClinVar variation 3379762 (VCV003379762.1).
Genomic context (GRCh38, chr7:44,694,499, plus strand): 5'-AACGGCCACAACGAGATGGATGAGCCCATGTTCACGCAGCCGCTCATGTACAAGCAGATC[C>T]GCAAGCAGAAGCCTGTGTTACAGAAGTACGCTGAGCTGCTGGTGTCGCAGGGTGTGGTCA-3'
Protein context (NP_002532.2, residues 521-541): FTQPLMYKQI[Arg531Cys]KQKPVLQKYA

ClinVar aggregate classification (germline): Uncertain significance (1 of 4 stars; one submission).

gnomAD v4.1: 38 of 1,613,806 alleles (0.0024%); highest among the groups gnomAD compares: Non-Finnish European, 0.0032%; no homozygotes.

Submission:

Mayo Clinic Laboratories, Mayo Clinic
Classification: Uncertain significance. Last evaluated: 2023-10-13. Review status: criteria provided, single submitter. Criteria: ACMG Guidelines, 2015. Collection method: clinical testing. Allele origin: germline. Observed: 1 variant allele.
Comment: PP3, PM2_moderate